The following is an entry in ClinVar:

ClinVar aggregate classification (germline): Likely benign (1 of 4 stars; one submission).

Submission:

CeGaT Center for Human Genetics Tuebingen
Classification: Likely benign. Last evaluated: 2026-06-01. Review status: criteria provided, single submitter. Criteria: CeGaT Center For Human Genetics Tuebingen Variant Classification Criteria Version 2. Collection method: clinical testing. Allele origin: germline. Affected: yes. Observed: 2 variant alleles.
Comment: JAK3: PM2:Supporting, BP4, BP7

NM_000215.4(JAK3):c.105C>G (p.Pro35=)

Gene: JAK3 (Janus kinase 3; minus strand). Cytogenetic location: 19p13.11.
Variant type: single nucleotide variant.
Coding change: c.105C>G on transcript NM_000215.4 (MANE Select); coding-DNA position 105, C replaced by G.
Protein change: p.Pro35=; no amino-acid change (proline 35 retained).
Molecular consequence: synonymous variant.
Genome position (GRCh38, 1-based): chr19:17,844,313, G>C on the plus strand (C>G on the coding strand, the complement: JAK3 is on the minus strand). VCF-style: chr19-17844313-G-C. GRCh37 (hg19) VCF-style: chr19-17955122-G-C.
Other names: c.105C>G, p.Pro35= (NM_001440439.1).
Identifiers: ClinVar variation 4871996 (VCV004871996.2).
Genomic context (GRCh38, chr19:17,844,313, plus strand): 5'-CACGCACAGGTCCTCAGCCAAGTGGTCCCCAAAGGAGAAAGATAGGCGCTGGGGGGGCCC[G>C]GGGCCCCGAGCGGGCAGCAGCACATGCAGGGCACCAGCCTCCGTGGACAAGAGGCTGCAT-3'
Protein context (NP_000206.2, residues 25-45): ALHVLLPARG[Pro35=]GPPQRLSFSF